The following is an entry in ClinVar:

ClinVar aggregate classification (germline): Pathogenic (1 of 4 stars; one submission).

Conditions:
Mevalonic aciduria (MEVA). Identifiers: Orphanet 29, MedGen C1959626, MONDO:0012481, OMIM 610377.
Porokeratosis 3, disseminated superficial actinic type (POROK3). Also called: POROKERATOSIS 3, MULTIPLE TYPES; POROKERATOSIS 3, MIBELLI TYPE; POROKERATOSIS, DISSEMINATED SUPERFICIAL ACTINIC, 1. Identifiers: MedGen C1867981, MONDO:0008293, OMIM 175900.
Hyperimmunoglobulin D with periodic fever (HIDS). Also called: Hyperimmunoglobulinemia D; Hyperimmunoglobulinemia D with periodic fever; HYPERIMMUNOGLOBULINEMIA D AND PERIODIC FEVER SYNDROME. Identifiers: Orphanet 343, MedGen C0398691, MONDO:0009849, OMIM 260920.

Submission:

Labcorp Genetics (formerly Invitae), Labcorp
Classification: Pathogenic for Mevalonic aciduria; Hyperimmunoglobulin D with periodic fever; Porokeratosis 3, disseminated superficial actinic type. Last evaluated: 2023-12-11. Review status: criteria provided, single submitter. Criteria: Invitae Variant Classification Sherloc (09022015). Collection method: clinical testing. Allele origin: germline.
Comment: This sequence change creates a premature translational stop signal (p.Ser222Hisfs*3) in the MVK gene. It is expected to result in an absent or disrupted protein product. Loss-of-function variants in MVK are known to be pathogenic (PMID: 16835861, 17105862, 23834120). This variant is not present in population databases (gnomAD no frequency). This variant has not been reported in the literature in individuals affected with MVK-related conditions. For these reasons, this variant has been classified as Pathogenic.

Literature cited by the submitters: PubMed 16835861; PubMed 17105862; PubMed 23834120.

NM_000431.4(MVK):c.664del (p.Ser222fs)

Gene: MVK (mevalonate kinase; plus strand). Cytogenetic location: 12q24.11.
Variant type: Deletion.
Coding change: c.664del on transcript NM_000431.4 (MANE Select); coding-DNA position 664, one base deleted (T; older notation c.664delT).
Protein change: p.Ser222fs; shifts the reading frame from serine 222.
Molecular consequence: frameshift variant. On other transcripts: non-coding transcript variant (4).
Genome position (GRCh38, 1-based): chr12:109,586,786, T deleted; the last of 3 consecutive T bases (chr12:109,586,784-109,586,786); deleting any one gives the same sequence. VCF-style (leftmost placement, unchanged base first): chr12-109586783-AT-A. GRCh37 (hg19) VCF-style: chr12-110024588-AT-A.
Other names: c.664del, p.Ser222fs (NM_001114185.3, NM_001414511.1, NM_001414512.1 and 1 more transcripts); c.508del, p.Ser170fs (NM_001301182.2, NM_001414514.1); c.82del, p.Ser28fs (NM_001414515.1); short protein forms S222fs, S170fs, S28fs.
Identifiers: ClinVar variation 2948422 (VCV002948422.3), dbSNP rs2548631903, ClinGen allele CA2740090813.
Genomic context (GRCh38, chr12:109,586,783, plus strand): 5'-ACAGCTCTGACCCACTGGTTTTTCTCTTTAGGAGGAGCCCTCCGATACCATCAAGGGAAG[AT>A]TTCATCCTTAAAGAGGTAACCTGGGGGTGGAGCAGCACATTCAGCCATGGCTGCATTGAT-3'